The following is an entry in ClinVar:

ClinVar aggregate classification (germline): Pathogenic (1 of 4 stars; one submission).

Conditions:
Glycine encephalopathy. Also called: Nonketotic hyperglycinemia; Non-ketotic hyperglycinemia. Identifiers: Orphanet 407, MedGen C0751748, MONDO:0011612, HP:0008288.

Submission:

Labcorp Genetics (formerly Invitae), Labcorp
Classification: Pathogenic for Glycine encephalopathy. Last evaluated: 2023-01-28. Review status: criteria provided, single submitter. Criteria: Invitae Variant Classification Sherloc (09022015). Collection method: clinical testing. Allele origin: germline.
Comment: This sequence change affects an acceptor splice site in intron 4 of the GLDC gene. It is expected to disrupt RNA splicing. Variants that disrupt the donor or acceptor splice site typically lead to a loss of protein function (PMID: 16199547), and loss-of-function variants in GLDC are known to be pathogenic (PMID: 16601880). This variant is not present in population databases (gnomAD no frequency). Disruption of this splice site has been observed in individual(s) with glycine encephalopathy (PMID: 27362913). Algorithms developed to predict the effect of sequence changes on RNA splicing suggest that this variant may disrupt the consensus splice site. For these reasons, this variant has been classified as Pathogenic.

Literature cited by the submitters: PubMed 16199547; PubMed 16601880; PubMed 27362913.

NM_000170.3(GLDC):c.636-1G>T

Gene: GLDC (glycine decarboxylase; minus strand). Cytogenetic location: 9p24.1.
Variant type: single nucleotide variant.
Coding change: c.636-1G>T on transcript NM_000170.3 (MANE Select); the canonical splice acceptor site of the intron before coding-DNA position 636, G replaced by T.
Molecular consequence: splice acceptor variant.
Genome position (GRCh38, 1-based): chr9:6,606,670, C>A on the plus strand (G>T on the coding strand, the complement: GLDC is on the minus strand). VCF-style: chr9-6606670-C-A. GRCh37 (hg19) VCF-style: chr9-6606670-C-A.
Identifiers: ClinVar variation 2828477 (VCV002828477.3), dbSNP rs2489106564, ClinGen allele CA372897820.